The following is an entry in ClinVar:

ClinVar aggregate classification (germline): Uncertain significance (1 of 4 stars; one submission).

Conditions:
Autosomal dominant nocturnal frontal lobe epilepsy 5. Also called: CILIARY DYSKINESIA, PRIMARY, 28, WITH SITUS INVERSUS; Epilepsy, nocturnal frontal lobe, 5; CILIARY DYSKINESIA, PRIMARY, 28, WITHOUT SITUS INVERSUS; KCNT1-Related Epilepsy. Identifiers: Orphanet 98784, MedGen C3554306, MONDO:0014002, OMIM 615005.
Developmental and epileptic encephalopathy, 14 (DEE14). Also called: Early infantile epileptic encephalopathy 14. Identifiers: Orphanet 293181, MedGen C3554195, MONDO:0013989, OMIM 614959.

Submission:

Labcorp Genetics (formerly Invitae), Labcorp
Classification: Uncertain significance for Autosomal dominant nocturnal frontal lobe epilepsy 5; Developmental and epileptic encephalopathy, 14. Last evaluated: 2025-07-30. Review status: criteria provided, single submitter. Criteria: Invitae Variant Classification Sherloc (09022015). Collection method: clinical testing. Allele origin: germline.
Comment: This sequence change replaces glycine, which is neutral and non-polar, with arginine, which is basic and polar, at codon 32 of the KCNT1 protein (p.Gly32Arg). This variant is not present in population databases (gnomAD no frequency). This missense change has been observed in individual(s) with clinical features of KCNT1-related conditions (internal data). Invitae Evidence Modeling of protein sequence and biophysical properties (such as structural, functional, and spatial information, amino acid conservation, physicochemical variation, residue mobility, and thermodynamic stability) indicates that this missense variant is not expected to disrupt KCNT1 protein function with a negative predictive value of 95%. In summary, the available evidence is currently insufficient to determine the role of this variant in disease. Therefore, it has been classified as a Variant of Uncertain Significance.

NM_020822.3(KCNT1):c.94G>C (p.Gly32Arg)

Gene: KCNT1 (potassium sodium-activated channel subfamily T member 1; plus strand). Cytogenetic location: 9q34.3.
Variant type: single nucleotide variant.
Coding change: c.94G>C on transcript NM_020822.3 (MANE Select); coding-DNA position 94, G replaced by C.
Protein change: p.Gly32Arg; replaces glycine 32 with arginine.
Molecular consequence: missense variant.
Genome position (GRCh38, 1-based): chr9:135,702,352, G>C. VCF-style: chr9-135702352-G-C. GRCh37 (hg19) VCF-style: chr9-138594198-G-C.
Other names: c.94G>C, p.Gly32Arg (NM_001272003.2); short protein forms G32R.
Identifiers: ClinVar variation 4794036 (VCV004794036.1).